The following is an entry in ClinVar:

ClinVar aggregate classification (germline): Uncertain significance. Review status: criteria provided, multiple submitters, no conflicts (2 of 4 stars). 2 submissions from 2 submitters: Uncertain significance (2). Last evaluated 2024-10-30.

Allele frequency attached by ClinVar (database versions not stated): gnomAD exomes below 0.00001.
gnomAD v4.1: 1 of 1,611,960 alleles (0.000062%); highest among the groups gnomAD compares: Non-Finnish European, 0.000085%; no homozygotes.

Submissions (2):

GeneDx
Classification: Uncertain significance. Last evaluated: 2024-10-30. Review status: criteria provided, single submitter. Criteria: GeneDx Variant Classification Process June 2021. Collection method: clinical testing. Allele origin: germline. Affected: yes.
Comment: Canonical splice site variant in a gene or region of a gene for which loss of function is not a well-established mechanism of disease; Not observed at significant frequency in large population cohorts (gnomAD); Has not been previously published as pathogenic or benign to our knowledge

Labcorp Genetics (formerly Invitae), Labcorp
Classification: Uncertain significance. Last evaluated: 2022-05-29. Review status: criteria provided, single submitter. Criteria: Invitae Variant Classification Sherloc (09022015). Collection method: clinical testing. Allele origin: germline.
Comment: This variant is not present in population databases (gnomAD no frequency). This sequence change affects an acceptor splice site in intron 1 of the P2RX2 gene. It is expected to disrupt RNA splicing. Variants that disrupt the donor or acceptor splice site typically lead to a loss of protein function (PMID: 16199547), however the current clinical and genetic evidence is not sufficient to establish whether loss-of-function variants in P2RX2 cause disease. This variant has not been reported in the literature in individuals affected with P2RX2-related conditions. Disruption of this splice site has been observed in at least one individual who was not affected with P2RX2-related conditions (Invitae). Algorithms developed to predict the effect of sequence changes on RNA splicing suggest that this variant may disrupt the consensus splice site. In summary, the available evidence is currently insufficient to determine the role of this variant in disease. Therefore, it has been classified as a Variant of Uncertain Significance.

Literature cited by the submitters: PubMed 16199547 (cited by Labcorp Genetics (formerly Invitae), Labcorp).

NM_170682.4(P2RX2):c.174-1G>A

Gene: P2RX2 (purinergic receptor P2X 2; plus strand). Cytogenetic location: 12q24.33.
Variant type: single nucleotide variant.
Coding change: c.174-1G>A on transcript NM_170682.4 (MANE Select); the canonical splice acceptor site of the intron before coding-DNA position 174, G replaced by A.
Molecular consequence: splice acceptor variant. On other transcripts: intron variant (1).
Genome position (GRCh38, 1-based): chr12:132,619,438, G>A. VCF-style: chr12-132619438-G-A. GRCh37 (hg19) VCF-style: chr12-133196024-G-A.
Other names: c.174-1G>A (NM_001282165.2, NM_170683.4, NM_174873.3 and 2 more transcripts); c.106-1G>A (NM_012226.5); c.106-406G>A (NM_174872.3).
Identifiers: ClinVar variation 2123355 (VCV002123355.5), dbSNP rs2541772892, ClinGen allele CA387357199.
Genomic context (GRCh38, chr12:132,619,438, plus strand): 5'-TGCGGGCGGGACTCAGCCTTCCCAGGGTCGCCTCCGGAGCCGGCGCCGCCCCTGCCCGCA[G>A]GTACGTATTCATCGTGCAGAAAAGCTACCAGGAGAGCGAGACGGGCCCCGAGAGCTCCAT-3'